The following is an entry in ClinVar:

NM_000565.4(IL6R):c.123C>G (p.Asp41Glu)

Gene: IL6R (interleukin 6 receptor; plus strand). Cytogenetic location: 1q21.3.
Variant type: single nucleotide variant.
Coding change: c.123C>G on transcript NM_000565.4 (MANE Select); coding-DNA position 123, C replaced by G.
Protein change: p.Asp41Glu; replaces aspartic acid 41 with glutamic acid.
Molecular consequence: missense variant.
Genome position (GRCh38, 1-based): chr1:154,429,233, C>G. VCF-style: chr1-154429233-C-G. GRCh37 (hg19) VCF-style: chr1-154401709-C-G.
Other names: c.123C>G, p.Asp41Glu (NM_001206866.2, NM_001382769.1, NM_001382770.1 and 5 more transcripts); short protein forms D41E.
Identifiers: ClinVar variation 1367981 (VCV001367981.6), dbSNP rs1393806703, ClinGen allele CA342602649.

ClinVar aggregate classification (germline): Uncertain significance (1 of 4 stars; one submission).

gnomAD v4.1: 1 of 1,613,886 alleles (0.000062%); highest among the groups gnomAD compares: Admixed American, 0.0017%; no homozygotes.

Submission:

Labcorp Genetics (formerly Invitae), Labcorp
Classification: Uncertain significance. Last evaluated: 2022-06-03. Review status: criteria provided, single submitter. Criteria: Invitae Variant Classification Sherloc (09022015). Collection method: clinical testing. Allele origin: germline.
Comment: This variant is not present in population databases (gnomAD no frequency). In summary, the available evidence is currently insufficient to determine the role of this variant in disease. Therefore, it has been classified as a Variant of Uncertain Significance. Algorithms developed to predict the effect of missense changes on protein structure and function (SIFT, PolyPhen-2, Align-GVGD) all suggest that this variant is likely to be tolerated. ClinVar contains an entry for this variant (Variation ID: 1367981). This variant has not been reported in the literature in individuals affected with IL6R-related conditions. This sequence change replaces aspartic acid, which is acidic and polar, with glutamic acid, which is acidic and polar, at codon 41 of the IL6R protein (p.Asp41Glu).